The following is an entry in ClinVar:

NM_001142864.4(PIEZO1):c.5341G>C (p.Gly1781Arg)

Gene: PIEZO1 (piezo type mechanosensitive ion channel component 1 (Er blood group); minus strand). Cytogenetic location: 16q24.3.
Variant type: single nucleotide variant.
Coding change: c.5341G>C on transcript NM_001142864.4 (MANE Select); coding-DNA position 5341, G replaced by C.
Protein change: p.Gly1781Arg; replaces glycine 1781 with arginine.
Molecular consequence: missense variant.
Genome position (GRCh38, 1-based): chr16:88,721,600, C>G on the plus strand (G>C on the coding strand, the complement: PIEZO1 is on the minus strand). VCF-style: chr16-88721600-C-G. GRCh37 (hg19) VCF-style: chr16-88788008-C-G.
Other names: c.5341G>C (NM_001142864.3); short protein forms G1781R.
Identifiers: ClinVar variation 3713944 (VCV003713944.3).

ClinVar aggregate classification (germline): Conflicting classifications of pathogenicity. Review status: criteria provided, conflicting classifications (1 of 4 stars). 2 submissions from 2 submitters: Uncertain significance (1); Likely benign (1). Last evaluated 2025-01-24.

Conditions:
PIEZO1-related disorder. Also called: PIEZO1-related condition; PIEZO1-Related Disorders.

gnomAD v4.1: 52 of 1,550,126 alleles (0.0034%); highest among the groups gnomAD compares: Non-Finnish European, 0.0041%; no homozygotes.

Submissions (2):

Labcorp Genetics (formerly Invitae), Labcorp
Classification: Likely benign. Last evaluated: 2025-01-24. Review status: criteria provided, single submitter. Criteria: Invitae Variant Classification Sherloc (09022015). Collection method: clinical testing. Allele origin: germline.

PreventionGenetics, part of Exact Sciences
Classification: Uncertain significance for PIEZO1-related condition. Last evaluated: 2024-11-19. Review status: criteria provided, single submitter. Criteria: ACMG Guidelines, 2015. Collection method: clinical testing. Allele origin: germline.
Comment: The PIEZO1 c.5341G>C variant is predicted to result in the amino acid substitution p.Gly1781Arg. To our knowledge, this variant has not been reported in the literature or in a large population database (gnomAD), indicating this variant is rare. At this time, the clinical significance of this variant is uncertain due to the absence of conclusive functional and genetic evidence.